The following is an entry in ClinVar:

ClinVar aggregate classification (germline): Conflicting classifications of pathogenicity. Review status: criteria provided, conflicting classifications (1 of 4 stars). 3 submissions from 3 submitters: Pathogenic (1); Uncertain significance (2). Last evaluated 2025-12-19.

Conditions:
Cone dystrophy 3 (COD3). Also called: RETINAL CONE DYSTROPHY. Identifiers: Orphanet 1872, MedGen C1865869, MONDO:0011193, OMIM 602093.
GUCA1A-related disorders.

Submissions (3):

Labcorp Genetics (formerly Invitae), Labcorp
Classification: Uncertain significance. Last evaluated: 2025-12-19. Review status: criteria provided, single submitter. Criteria: Invitae Variant Classification Sherloc (09022015). Collection method: clinical testing. Allele origin: germline.
Comment: This sequence change replaces aspartic acid, which is acidic and polar, with glutamic acid, which is acidic and polar, at codon 148 of the GUCA1A protein (p.Asp148Glu). This variant is not present in population databases (gnomAD no frequency). This missense change has been observed in individual(s) with autosomal dominant cone dystrophy (PMID: 28442884). It has also been observed to segregate with disease in related individuals. ClinVar contains an entry for this variant (Variation ID: 974937). An algorithm developed to predict the effect of missense changes on protein structure and function (PolyPhen-2) suggests that this variant is likely to be disruptive. In summary, the available evidence is currently insufficient to determine the role of this variant in disease. Therefore, it has been classified as a Variant of Uncertain Significance.

Blueprint Genetics
Classification: Pathogenic for GUCA1A-related disorders. Last evaluated: 2022-05-19. Review status: criteria provided, single submitter. Criteria: ACMG Guidelines, 2015. Collection method: clinical testing. Allele origin: germline. Affected: yes. Observed: 1 variant allele.

SIB Swiss Institute of Bioinformatics
Classification: Uncertain significance for Cone dystrophy 3. Last evaluated: 2020-06-05. Review status: criteria provided, single submitter. Criteria: ACMG Guidelines, 2015. Collection method: curation. Allele origin: unknown.
Comment: This variant is interpreted as a variant of uncertain significance for Cone dystrophy 3, autosomal dominant. The following ACMG Tag(s) were applied: Absent from controls (or at extremely low frequency if recessive) in Exome Sequencing Project, 1000 Genomes Project, or Exome Aggregation Consortium (PM2); Located in a mutational hot spot and/or critical and well-established functional domain (e.g., active site of an enzyme) without benign variation (PM1); Cosegregation with disease in multiple affected family members in a gene definitively known to cause the disease (PP1) (PMID:28442884).

Literature cited by the submitters: PubMed 28442884 (cited by Labcorp Genetics (formerly Invitae), Labcorp and SIB Swiss Institute of Bioinformatics).

NM_001384910.1(GUCA1A):c.444T>A (p.Asp148Glu)

Genes: GUCA1A (guanylate cyclase activator 1A; plus strand), GUCA1ANB-GUCA1A (GUCA1ANB-GUCA1A readthrough; plus strand). Cytogenetic location: 6p21.1.
Variant type: single nucleotide variant.
Coding change: c.444T>A on transcript NM_001384910.1 (MANE Select); coding-DNA position 444, T replaced by A.
Protein change: p.Asp148Glu; replaces aspartic acid 148 with glutamic acid.
Molecular consequence: missense variant.
Genome position (GRCh38, 1-based): chr6:42,178,894, T>A. VCF-style: chr6-42178894-T-A. GRCh37 (hg19) VCF-style: chr6-42146632-T-A.
Other names: c.444T>A, p.Asp148Glu (NM_000409.5, NM_001319061.2, NM_001319062.2); short protein forms D148E.
Identifiers: ClinVar variation 974937 (VCV000974937.3), dbSNP rs1768036096, ClinGen allele CA364110046.